The following is an entry in ClinVar:

NM_000381.4(MID1):c.1775A>T (p.Glu592Val)

Genes: MID1 (midline 1; minus strand), LOC126863207 (BRD4-independent group 4 enhancer GRCh37_chrX:10416979-10418178; plus strand). Cytogenetic location: Xp22.2.
Variant type: single nucleotide variant.
Coding change: c.1775A>T on transcript NM_000381.4 (MANE Select); coding-DNA position 1775, A replaced by T.
Protein change: p.Glu592Val; replaces glutamic acid 592 with valine.
Molecular consequence: missense variant.
Genome position (GRCh38, 1-based): chrX:10,449,597, T>A on the plus strand (A>T on the coding strand, the complement: MID1 is on the minus strand). VCF-style: chrX-10449597-T-A. GRCh37 (hg19) VCF-style: chrX-10417637-T-A.
Other names: c.1775A>T, p.Glu592Val (NM_001098624.2, NM_001193277.1, NM_001347733.2 and 1 more transcripts); c.1661A>T, p.Glu554Val (NM_033289.2); short protein forms E554V, E592V.
Identifiers: ClinVar variation 3640645 (VCV003640645.2).

ClinVar aggregate classification (germline): Uncertain significance (1 of 4 stars; one submission).

Submission:

Labcorp Genetics (formerly Invitae), Labcorp
Classification: Uncertain significance. Last evaluated: 2024-04-02. Review status: criteria provided, single submitter. Criteria: Invitae Variant Classification Sherloc (09022015). Collection method: clinical testing. Allele origin: germline.
Comment: This sequence change replaces glutamic acid, which is acidic and polar, with valine, which is neutral and non-polar, at codon 592 of the MID1 protein (p.Glu592Val). This variant is not present in population databases (gnomAD no frequency). This variant has not been reported in the literature in individuals affected with MID1-related conditions. Advanced modeling of protein sequence and biophysical properties (such as structural, functional, and spatial information, amino acid conservation, physicochemical variation, residue mobility, and thermodynamic stability) performed at Invitae indicates that this missense variant is not expected to disrupt MID1 protein function with a negative predictive value of 80%. Algorithms developed to predict the effect of sequence changes on RNA splicing suggest that this variant may create or strengthen a splice site. In summary, the available evidence is currently insufficient to determine the role of this variant in disease. Therefore, it has been classified as a Variant of Uncertain Significance.